The following is an entry in ClinVar:

ClinVar aggregate classification (germline): Uncertain significance. Review status: criteria provided, multiple submitters, no conflicts (2 of 4 stars). 3 submissions from 3 submitters: Uncertain significance (3). Last evaluated 2025-10-07.

Allele frequency attached by ClinVar (database versions not stated): gnomAD 0.00023; gnomAD exomes 0.00023; TOPMed 0.00027; ExAC 0.00038; 1000 Genomes Project 0.00040; 1000 Genomes Project 30x 0.00047; ESP Exome Variant Server 0.00023.
gnomAD v4.1: 371 of 1,613,632 alleles (0.023%); highest among the groups gnomAD compares: Admixed American, 0.11%; no homozygotes.

Submissions (3):

Women's Health and Genetics/Laboratory Corporation of America, LabCorp
Classification: Uncertain significance. Last evaluated: 2025-10-07. Review status: criteria provided, single submitter. Criteria: LabCorp Variant Classification Summary - May 2015. Collection method: clinical testing. Allele origin: germline.
Comment: Variant summary: RASGRP2 c.991G>A (p.Gly331Arg) results in a non-conservative amino acid change in the encoded protein sequence. Algorithms developed to predict the effect of missense changes on protein structure and function are either unavailable or do not agree on the potential impact of this missense change. The variant allele was found at a frequency of 0.00036 in 249408 control chromosomes. This frequency is not significantly higher than estimated for disease-causing variants in RASGRP2, allowing no conclusion about variant significance. To our knowledge, no occurrence of c.991G>A in individuals affected with RASGRP2-related conditions and no experimental evidence demonstrating its impact on protein function have been reported. ClinVar contains an entry for this variant (Variation ID: 2077833). Based on the evidence outlined above, the variant was classified as uncertain significance.

GeneDx
Classification: Uncertain significance. Last evaluated: 2025-04-19. Review status: criteria provided, single submitter. Criteria: GeneDx Variant Classification Process June 2021. Collection method: clinical testing. Allele origin: germline. Affected: yes.
Comment: In silico analysis indicates that this missense variant does not alter protein structure/function; Has not been previously published as pathogenic or benign to our knowledge

Labcorp Genetics (formerly Invitae), Labcorp
Classification: Uncertain significance. Last evaluated: 2022-03-25. Review status: criteria provided, single submitter. Criteria: Invitae Variant Classification Sherloc (09022015). Collection method: clinical testing. Allele origin: germline.
Comment: This sequence change replaces glycine, which is neutral and non-polar, with arginine, which is basic and polar, at codon 331 of the RASGRP2 protein (p.Gly331Arg). This variant is present in population databases (rs141060165, gnomAD 0.1%). This variant has not been reported in the literature in individuals affected with RASGRP2-related conditions. Algorithms developed to predict the effect of missense changes on protein structure and function are either unavailable or do not agree on the potential impact of this missense change (SIFT: "Tolerated"; PolyPhen-2: "Possibly Damaging"; Align-GVGD: "Class C0"). Algorithms developed to predict the effect of sequence changes on RNA splicing suggest that this variant may create or strengthen a splice site. In summary, the available evidence is currently insufficient to determine the role of this variant in disease. Therefore, it has been classified as a Variant of Uncertain Significance.

NM_001098671.2(RASGRP2):c.991G>A (p.Gly331Arg)

Gene: RASGRP2 (RAS guanyl releasing protein 2; minus strand). Cytogenetic location: 11q13.1.
Variant type: single nucleotide variant.
Coding change: c.991G>A on transcript NM_001098671.2 (MANE Select); coding-DNA position 991, G replaced by A.
Protein change: p.Gly331Arg; replaces glycine 331 with arginine.
Molecular consequence: missense variant.
Genome position (GRCh38, 1-based): chr11:64,736,857, C>T on the plus strand (G>A on the coding strand, the complement: RASGRP2 is on the minus strand). VCF-style: chr11-64736857-C-T. GRCh37 (hg19) VCF-style: chr11-64504329-C-T.
Other names: c.991G>A, p.Gly331Arg (NM_001098670.2, NM_153819.2); c.556G>A, p.Gly186Arg (NM_001318398.2); short protein forms G186R, G331R.
Identifiers: ClinVar variation 2077833 (VCV002077833.3), dbSNP rs141060165, ClinGen allele CA6079061.
Genomic context (GRCh38, chr11:64,736,857, plus strand): 5'-GCAGGCTGGTCACCATGGCCAGCTCCTCCAGGATGCTAAAGAGCTGCTTCATCTTGGCCC[C>T]GTTGAGCCGGGTCCGGGCTGGGTCCAGCCAGTCAGGCAGTGCCAGCTGCAGGGCCACCAG-3'
Protein context (NP_001092141.1, residues 321-341): WLDPARTRLN[Gly331Arg]AKMKQLFSIL